The following is an entry in ClinVar:

NM_006929.5(SKIC2):c.3028del (p.Gln1010fs)

Gene: SKIC2 (SKI2 subunit of superkiller complex; plus strand). Cytogenetic location: 6p21.33.
Variant type: Deletion.
Coding change: c.3028del on transcript NM_006929.5 (MANE Select); coding-DNA position 3028, one base deleted (C; older notation c.3028delC).
Protein change: p.Gln1010fs; shifts the reading frame from glutamine 1010.
Molecular consequence: frameshift variant.
Genome position (GRCh38, 1-based): chr6:31,968,497, C deleted; the last of 2 consecutive C bases (chr6:31,968,496-31,968,497); deleting either gives the same sequence. VCF-style (leftmost placement, unchanged base first): chr6-31968495-TC-T. GRCh37 (hg19) VCF-style: chr6-31936272-TC-T.
Other names: short protein forms Q1010fs.
Identifiers: ClinVar variation 3033544 (VCV003033544.2), dbSNP rs2482998760, ClinGen allele CA2678078254.
Genomic context (GRCh38, chr6:31,968,495, plus strand): 5'-AGCTCAAAGATATGTCAGTTGTAGAGGGTGGGCTCCGGGCCCGGAAGCTGGAGGAGCTGA[TC>T]CAGGGGGCTCAGTGTGTACACAGCCCCCGTTTTCCTGCCCAGGTAGGACCCTGGGTGGTA-3'

ClinVar aggregate classification (germline): Likely pathogenic (0 of 4 stars; one submission).

Conditions:
SKIC2-related disorder. Also called: SKIC2-related condition.

Submission:

PreventionGenetics, part of Exact Sciences
Classification: Likely pathogenic for SKIC2-related condition. Last evaluated: 2024-01-08. Review status: no assertion criteria provided. Collection method: clinical testing. Allele origin: germline.
Comment: The SKIC2 c.3028delC variant is predicted to result in a frameshift and premature protein termination (p.Gln1010Argfs*16). To our knowledge, this variant has not been reported in the literature or in a large population database, indicating this variant is rare. Frameshift variants in SKIC2 are expected to be pathogenic. This variant is interpreted as likely pathogenic.